The following is an entry in ClinVar:

NM_020911.2(PLXNA4):c.4425C>T (p.Asp1475=)

Gene: PLXNA4 (plexin A4; minus strand). Cytogenetic location: 7q32.3.
Variant type: single nucleotide variant.
Coding change: c.4425C>T on transcript NM_020911.2 (MANE Select); coding-DNA position 4425, C replaced by T.
Protein change: p.Asp1475=; no amino-acid change (aspartic acid 1475 retained).
Molecular consequence: synonymous variant.
Genome position (GRCh38, 1-based): chr7:132,164,217, G>A on the plus strand (C>T on the coding strand, the complement: PLXNA4 is on the minus strand). VCF-style: chr7-132164217-G-A. GRCh37 (hg19) VCF-style: chr7-131848976-G-A.
Other names: c.4425C>T, p.Asp1475= (NM_001393897.1).
Identifiers: ClinVar variation 3054978 (VCV003054978.2), dbSNP rs376463343, ClinGen allele CA4489201.

ClinVar aggregate classification (germline): Likely benign (0 of 4 stars; one submission).

Conditions:
PLXNA4-related disorder. Also called: PLXNA4-related condition.

Allele frequency attached by ClinVar (database versions not stated): gnomAD exomes 0.00001; ExAC 0.00006; TOPMed 0.00007; gnomAD 0.00008; ESP Exome Variant Server 0.00015.
gnomAD v4.1: 30 of 1,614,118 alleles (0.0019%); highest among the groups gnomAD compares: African/African-American, 0.02%; no homozygotes.

Submission:

PreventionGenetics, part of Exact Sciences
Classification: Likely benign for PLXNA4-related condition. Last evaluated: 2021-07-19. Review status: no assertion criteria provided. Collection method: clinical testing. Allele origin: germline.
Comment: This variant is classified as likely benign based on ACMG/AMP sequence variant interpretation guidelines (Richards et al. 2015 PMID: 25741868, with internal and published modifications).